The following is an entry in ClinVar:

NM_000059.4(BRCA2):c.4787A>G (p.Asn1596Ser)

Gene: BRCA2 (BRCA2 DNA repair associated; plus strand). Cytogenetic location: 13q13.1.
Variant type: single nucleotide variant.
Coding change: c.4787A>G on transcript NM_000059.4 (MANE Select); coding-DNA position 4787, A replaced by G.
Protein change: p.Asn1596Ser; replaces asparagine 1596 with serine.
Molecular consequence: missense variant.
Genome position (GRCh38, 1-based): chr13:32,339,142, A>G. VCF-style: chr13-32339142-A-G. GRCh37 (hg19) VCF-style: chr13-32913279-A-G.
Other names: c.4787A>G, p.Asn1596Ser (NM_001406719.1, NM_001406720.1); short protein forms N1596S.
Identifiers: ClinVar variation 1743068 (VCV001743068.7), dbSNP rs2137510204, ClinGen allele CA387783228.

ClinVar aggregate classification (germline): Conflicting classifications of pathogenicity. Review status: criteria provided, conflicting classifications (1 of 4 stars). 3 submissions from 3 submitters: Uncertain significance (2); Likely benign (1). Last evaluated 2025-01-13.

Conditions:
Hereditary cancer-predisposing syndrome. Also called: Hereditary Cancer Syndrome; Neoplastic Syndromes, Hereditary; Tumor predisposition; Hereditary neoplastic syndrome. Identifiers: Orphanet 140162, MedGen C0027672, MeSH D009386, MONDO:0015356.

Submissions (3):

Ambry Genetics
Classification: Uncertain significance for Hereditary cancer-predisposing syndrome. Last evaluated: 2025-01-13. Review status: criteria provided, single submitter. Criteria: Ambry Variant Classification Scheme 2023. Collection method: clinical testing. Allele origin: germline.
Comment: The p.N1596S variant (also known as c.4787A>G), located in coding exon 10 of the BRCA2 gene, results from an A to G substitution at nucleotide position 4787. The asparagine at codon 1596 is replaced by serine, an amino acid with highly similar properties. This amino acid position is not well conserved in available vertebrate species. In addition, this alteration is predicted to be tolerated by in silico analysis. Since supporting evidence is limited at this time, the clinical significance of this alteration remains unclear.

Color Diagnostics, LLC DBA Color Health
Classification: Uncertain significance for Hereditary cancer-predisposing syndrome. Last evaluated: 2023-11-07. Review status: criteria provided, single submitter. Criteria: ACMG Guidelines, 2015. Collection method: clinical testing. Allele origin: germline.
Comment: This missense variant replaces asparagine with serine at codon 1596 of the BRCA2 protein. Computational prediction suggests that this variant may not impact protein structure and function (internally defined REVEL score threshold <= 0.5, PMID: 27666373). To our knowledge, functional studies have not been reported for this variant. This variant has been reported in an individual affected with breast cancer (PMID: 16616110). This variant has not been identified in the general population by the Genome Aggregation Database (gnomAD). The available evidence is insufficient to determine the role of this variant in disease conclusively. Therefore, this variant is classified as a Variant of Uncertain Significance.

University of Washington Department of Laboratory Medicine, University of Washington
Classification: Likely benign for Hereditary cancer-predisposing syndrome. Last evaluated: 2023-03-23. Review status: criteria provided, single submitter. Criteria: Dines et al. (Genet Med. 2020). Collection method: curation. Allele origin: germline.
Comment: Missense variant in a coldspot region where missense variants are very unlikely to be pathogenic (PMID:31911673).

BRCA2 exon 11 coldspot. Reclassification based on statistical prior probability.

Literature cited by the submitters: PubMed 16616110 (cited by Color Diagnostics, LLC DBA Color Health).